The following is an entry in ClinVar:

ClinVar aggregate classification (germline): Uncertain significance. Review status: criteria provided, multiple submitters, no conflicts (2 of 4 stars). 2 submissions from 2 submitters: Uncertain significance (2). Last evaluated 2025-10-27.

Conditions:
Inborn genetic diseases. Identifiers: MedGen C0950123, MeSH D030342.

Allele frequency attached by ClinVar (database versions not stated): gnomAD 0.00006; TOPMed 0.00006; ESP Exome Variant Server 0.00008.

Submissions (2):

Labcorp Genetics (formerly Invitae), Labcorp
Classification: Uncertain significance. Last evaluated: 2025-10-27. Review status: criteria provided, single submitter. Criteria: Invitae Variant Classification Sherloc (09022015). Collection method: clinical testing. Allele origin: germline.
Comment: This sequence change replaces glutamic acid, which is acidic and polar, with lysine, which is basic and polar, at codon 206 of the INTU protein (p.Glu206Lys). This variant is present in population databases (rs375821902, gnomAD 0.02%). This variant has not been reported in the literature in individuals affected with INTU-related conditions. ClinVar contains an entry for this variant (Variation ID: 3022348). Invitae Evidence Modeling of protein sequence and biophysical properties (such as structural, functional, and spatial information, amino acid conservation, physicochemical variation, residue mobility, and thermodynamic stability) has been performed for this missense variant. However, the output from this modeling did not meet the statistical confidence thresholds required to predict the impact of this variant on INTU protein function. In summary, the available evidence is currently insufficient to determine the role of this variant in disease. Therefore, it has been classified as a Variant of Uncertain Significance.

Ambry Genetics
Classification: Uncertain significance for Inborn genetic diseases. Last evaluated: 2024-09-03. Review status: criteria provided, single submitter. Criteria: Ambry Variant Classification Scheme 2023. Collection method: clinical testing. Allele origin: germline.

NM_015693.4(INTU):c.616G>A (p.Glu206Lys)

Gene: INTU (inturned planar cell polarity protein; plus strand). Cytogenetic location: 4q28.1.
Variant type: single nucleotide variant.
Coding change: c.616G>A on transcript NM_015693.4 (MANE Select); coding-DNA position 616, G replaced by A.
Protein change: p.Glu206Lys; replaces glutamic acid 206 with lysine.
Molecular consequence: missense variant.
Genome position (GRCh38, 1-based): chr4:127,643,990, G>A. VCF-style: chr4-127643990-G-A. GRCh37 (hg19) VCF-style: chr4-128565145-G-A.
Other names: c.616G>A (NM_015693.3); short protein forms E206K.
Identifiers: ClinVar variation 3022348 (VCV003022348.4), dbSNP rs375821902, ClinGen allele CA105646579.